The following is an entry in ClinVar:

ClinVar aggregate classification (germline): Pathogenic (1 of 4 stars; one submission).

Conditions:
Tuberous sclerosis 1 (TSC1). Identifiers: Orphanet 805, MedGen C1854465, MONDO:0008612, OMIM 191100.

Submission:

Labcorp Genetics (formerly Invitae), Labcorp
Classification: Pathogenic for Tuberous sclerosis 1. Last evaluated: 2017-12-15. Review status: criteria provided, single submitter. Criteria: Invitae Variant Classification Sherloc (09022015). Collection method: clinical testing. Allele origin: germline.
Comment: A gross deletion of the genomic region encompassing the full coding sequence of the TSC1 gene has been identified. The boundaries of this event are unknown as the deletion extends beyond the assayed region for this gene and therefore may encompass additional genes. Similar whole gene deletions of TSC1 have been reported in individuals affected with tuberous sclerosis, and in at least one individual this deletion was reported to arise de novo (PMID: 17287951, 20877415). Loss-of-function variants in TSC1 are known to be pathogenic (PMID: 10227394, 17304050). For these reasons, this variant has been classified as Pathogenic.

Literature cited by the submitters: PubMed 17287951; PubMed 20877415.

NC_000009.12:g.(?_132896229)_(132928878_?)del

Gene: TSC1 (TSC complex subunit 1; minus strand). Cytogenetic location: 9q34.13.
Variant type: Deletion.
Identifiers: ClinVar variation 534520 (VCV000534520.1).